The following is an entry in ClinVar:

ClinVar aggregate classification (germline): Conflicting classifications of pathogenicity. Review status: criteria provided, conflicting classifications (1 of 4 stars). 2 submissions from 2 submitters: Uncertain significance (1); Likely benign (1). Last evaluated 2025-06-07.

Conditions:
Inborn genetic diseases. Identifiers: MedGen C0950123, MeSH D030342.

gnomAD v4.1: 98 of 1,604,558 alleles (0.0061%); highest among the groups gnomAD compares: Non-Finnish European, 0.0078%; 1 homozygote.

Submissions (2):

Ambry Genetics
Classification: Likely benign for Inborn genetic diseases. Last evaluated: 2025-06-07. Review status: criteria provided, single submitter. Criteria: Ambry Variant Classification Scheme 2023. Collection method: clinical testing. Allele origin: germline.

Athena Diagnostics
Classification: Uncertain significance. Last evaluated: 2023-11-01. Review status: criteria provided, single submitter. Criteria: Athena Diagnostics Criteria. Collection method: clinical testing. Allele origin: unknown.
Comment: Available data are insufficient to determine the clinical significance of the variant at this time. The frequency of this variant in the general population is uninformative in assessment of its pathogenicity. Computational tools predict that this variant is not damaging.

NM_018109.4(MTPAP):c.1360G>A (p.Asp454Asn)

Gene: MTPAP (mitochondrial poly(A) polymerase; minus strand). Cytogenetic location: 10p11.23.
Variant type: single nucleotide variant.
Coding change: c.1360G>A on transcript NM_018109.4 (MANE Select); coding-DNA position 1360, G replaced by A.
Protein change: p.Asp454Asn; replaces aspartic acid 454 with asparagine.
Molecular consequence: missense variant.
Genome position (GRCh38, 1-based): chr10:30,315,989, C>T on the plus strand (G>A on the coding strand, the complement: MTPAP is on the minus strand). VCF-style: chr10-30315989-C-T. GRCh37 (hg19) VCF-style: chr10-30604918-C-T.
Other names: short protein forms D454N.
Identifiers: ClinVar variation 3571905 (VCV003571905.2).